The following is an entry in ClinVar:

ClinVar aggregate classification (germline): Benign/Likely benign. Review status: criteria provided, multiple submitters, no conflicts (2 of 4 stars). 3 submissions from 3 submitters: Benign (1); Likely benign (2). Last evaluated 2019-12-31.

Conditions:
White sponge nevus 1. Also called: LEUKOKERATOSIS, HEREDITARY MUCOSAL. Identifiers: MedGen C4011926, MONDO:0008676, OMIM 193900.

Allele frequency attached by ClinVar (database versions not stated): TOPMed 0.00006; ESP Exome Variant Server 0.00008; gnomAD 0.00112 and 0.00121.
gnomAD v4.1: 135 of 1,010,816 alleles (0.013%); highest among the groups gnomAD compares: Middle Eastern, 0.15%; no homozygotes.

Submissions (3):

Labcorp Genetics (formerly Invitae), Labcorp
Classification: Likely benign. Last evaluated: 2019-12-31. Review status: criteria provided, single submitter. Criteria: Invitae Variant Classification Sherloc (09022015). Collection method: clinical testing. Allele origin: germline.

Illumina Laboratory Services, Illumina
Classification: Benign for White sponge nevus 1. Last evaluated: 2018-01-13. Review status: criteria provided, single submitter. Criteria: ICSL Variant Classification Criteria 13 December 2019. Collection method: clinical testing. Allele origin: germline.
Comment: This variant was observed in the ICSL laboratory as part of a predisposition screen in an ostensibly healthy population. It had not been previously curated by ICSL or reported in the Human Gene Mutation Database (HGMD: prior to June 1st, 2018), and was therefore a candidate for classification through an automated scoring system. Utilizing variant allele frequency, disease prevalence and penetrance estimates, and inheritance mode, an automated score was calculated to assess if this variant is too frequent to cause the disease. Based on the score and internal cut-off values, a variant classified as benign is not then subjected to further curation. The score for this variant resulted in a classification of benign for this disease.

Breakthrough Genomics
Classification: Likely benign. Review status: criteria provided, single submitter. Criteria: ACMG Guidelines, 2015. Collection method: not provided. Allele origin: germline. Inheritance: Autosomal dominant inheritance. Affected: yes.

NM_002272.4(KRT4):c.306C>T (p.Pro102=)

Gene: KRT4 (keratin 4; minus strand). Cytogenetic location: 12q13.13.
Variant type: single nucleotide variant.
Coding change: c.306C>T on transcript NM_002272.4 (MANE Select); coding-DNA position 306, C replaced by T.
Protein change: p.Pro102=; no amino-acid change (proline 102 retained).
Molecular consequence: synonymous variant.
Genome position (GRCh38, 1-based): chr12:52,813,753, G>A on the plus strand (C>T on the coding strand, the complement: KRT4 is on the minus strand). VCF-style: chr12-52813753-G-A. GRCh37 (hg19) VCF-style: chr12-53207537-G-A.
Identifiers: ClinVar variation 309704 (VCV000309704.10), dbSNP rs373594963, ClinGen allele CA6588781.